The following is an entry in ClinVar:

ClinVar aggregate classification (germline): Pathogenic (1 of 4 stars; one submission).

Conditions:
Hereditary cancer-predisposing syndrome. Also called: Neoplastic Syndromes, Hereditary; Tumor predisposition; Hereditary Cancer Syndrome; Hereditary neoplastic syndrome. Identifiers: Orphanet 140162, MedGen C0027672, MeSH D009386, MONDO:0015356.
Cardiovascular phenotype. Identifiers: MedGen CN230736.

Submission:

Ambry Genetics
Classification: Pathogenic for Cardiovascular phenotype; Hereditary cancer-predisposing syndrome. Last evaluated: 2018-12-12. Review status: criteria provided, single submitter. Criteria: Ambry Variant Classification Scheme 2023. Collection method: clinical testing. Allele origin: germline.
Comment: The c.2047_2057dup11 variant, located in coding exon 18 of the NF1 gene, results from a duplication of GCCCAGACCAA at nucleotide position 2047, causing a translational frameshift with a predicted alternate stop codon (p.L687Pfs*5). This alteration is expected to result in loss of function by premature protein truncation or nonsense-mediated mRNA decay. As such, this alteration is interpreted as a disease-causing mutation.

NM_001042492.3(NF1):c.2047_2057dup (p.Leu687fs)

Gene: NF1 (neurofibromin 1; plus strand). Cytogenetic location: 17q11.2.
Variant type: Duplication.
Coding change: c.2047_2057dup on transcript NM_001042492.3 (MANE Select); coding-DNA positions 2047 to 2057, 11 bases duplicated (GCCCAGACCAA).
Protein change: p.Leu687fs; shifts the reading frame from leucine 687.
Molecular consequence: frameshift variant.
Genome position (GRCh38, 1-based): chr17:31,226,480-31,226,490, GCCCAGACCAA duplicated; duplicating any 11 consecutive bases within chr17:31,226,477-31,226,490 gives the same sequence; the c. name uses the placement nearest the transcript's 3' end. VCF-style (leftmost placement, unchanged base first): chr17-31226476-A-ACAAGCCCAGAC. GRCh37 (hg19) VCF-style: chr17-29553494-A-ACAAGCCCAGAC.
Other names: c.2047_2057dupGCCCAGACCAA (NM_000267.3); c.2047_2057dup, p.Leu687Profs (NM_000267.4); short protein forms L687fs.
Identifiers: ClinVar variation 820581 (VCV000820581.4), dbSNP rs1597712403, ClinGen allele CA915949723.